The following is an entry in ClinVar:

ClinVar aggregate classification (germline): Benign. Review status: criteria provided, multiple submitters, no conflicts (2 of 4 stars). 11 submissions from 10 submitters: Benign (8). 3 of the submissions do not count toward it. Last evaluated 2026-05-08.

Conditions:
Type 2 collagenopathy. Identifiers: Orphanet 93421, MedGen C2931073, MONDO:0022800.
Stickler syndrome type 1 (STL1). Also called: STICKLER SYNDROME, MEMBRANOUS VITREOUS TYPE; STICKLER SYNDROME, VITREOUS TYPE 1; ARTHROOPHTHALMOPATHY, HEREDITARY PROGRESSIVE; COL2A1-Related Stickler Syndrome. Identifiers: Orphanet 828, Orphanet 90653, MedGen C2020284, MONDO:0007160, OMIM 108300.

Allele frequency attached by ClinVar (database versions not stated): ExAC 0.19600; gnomAD exomes 0.19761 and 0.21505; 1000 Genomes Project 30x 0.20175; gnomAD 0.20215 and 0.20375; 1000 Genomes Project 0.20367; TOPMed 0.20550; ESP Exome Variant Server 0.20767.
gnomAD v4.1: 346,150 of 1,613,584 alleles (21%); highest among the groups gnomAD compares: East Asian, 29%; 38,450 homozygotes.

Submissions (11):

Women's Health and Genetics/Laboratory Corporation of America, LabCorp
Classification: Benign. Last evaluated: 2026-05-08. Review status: criteria provided, single submitter. Criteria: LabCorp Variant Classification Summary - May 2015. Collection method: clinical testing. Allele origin: germline.

Labcorp Genetics (formerly Invitae), Labcorp
Classification: Benign. Last evaluated: 2026-02-04. Review status: criteria provided, single submitter. Criteria: Invitae Variant Classification Sherloc (09022015). Collection method: clinical testing. Allele origin: germline.

Blueprint Genetics
Classification: Benign. Last evaluated: 2024-11-27. Review status: criteria provided, single submitter. Criteria: ACMG Guidelines, 2015. Collection method: clinical testing. Allele origin: germline.

Illumina Laboratory Services, Illumina
Classification: Benign for Type II Collagenopathies. Last evaluated: 2018-01-13. Review status: criteria provided, single submitter. Criteria: ICSL Variant Classification Criteria 13 December 2019. Collection method: clinical testing. Allele origin: germline.
Comment: This variant was observed in the ICSL laboratory as part of a predisposition screen in an ostensibly healthy population. It had not been previously curated by ICSL or reported in the Human Gene Mutation Database (HGMD: prior to June 1st, 2018), and was therefore a candidate for classification through an automated scoring system. Utilizing variant allele frequency, disease prevalence and penetrance estimates, and inheritance mode, an automated score was calculated to assess if this variant is too frequent to cause the disease. Based on the score and internal cut-off values, a variant classified as benign is not then subjected to further curation. The score for this variant resulted in a classification of benign for this disease.

Illumina Laboratory Services, Illumina
Classification: Benign for Stickler syndrome type 1. Last evaluated: 2018-01-13. Review status: criteria provided, single submitter. Criteria: ICSL Variant Classification Criteria 13 December 2019. Collection method: clinical testing. Allele origin: germline.
Comment: the same text as in the submission from Illumina Laboratory Services, Illumina above.

GeneDx
Classification: Benign. Last evaluated: 2016-03-21. Review status: criteria provided, single submitter. Criteria: GeneDx Variant Classification (06012015). Collection method: clinical testing. Allele origin: germline. Affected: yes.
Comment: This variant is considered likely benign or benign based on one or more of the following criteria: it is a conservative change, it occurs at a poorly conserved position in the protein, it is predicted to be benign by multiple in silico algorithms, and/or has population frequency not consistent with disease.

Breakthrough Genomics
Classification: Benign. Review status: criteria provided, single submitter. Criteria: ACMG Guidelines, 2015. Collection method: not provided. Allele origin: germline. Inheritance: Autosomal dominant inheritance. Affected: yes.

PreventionGenetics, part of Exact Sciences
Classification: Benign. Review status: criteria provided, single submitter. Criteria: ACMG Guidelines, 2015. Collection method: clinical testing. Allele origin: germline.

Diagnostic Laboratory, Department of Genetics, University Medical Center Groningen
Classification: Benign. Review status: no assertion criteria provided. Collection method: clinical testing. Allele origin: germline. Affected: yes. Study: VKGL Data-share Consensus. Not counted in ClinVar's aggregate classification.

Genome Diagnostics Laboratory, Amsterdam University Medical Center
Classification: Benign. Review status: no assertion criteria provided. Collection method: clinical testing. Allele origin: germline. Affected: yes. Study: VKGL Data-share Consensus. Not counted in ClinVar's aggregate classification.

Joint Genome Diagnostic Labs from Nijmegen and Maastricht, Radboudumc and MUMC+
Classification: Benign. Review status: no assertion criteria provided. Collection method: clinical testing. Allele origin: germline. Affected: yes. Study: VKGL Data-share Consensus. Not counted in ClinVar's aggregate classification.

NM_001844.5(COL2A1):c.1366-11C>T

Gene: COL2A1 (collagen type II alpha 1 chain; minus strand). Cytogenetic location: 12q13.11.
Variant type: single nucleotide variant.
Coding change: c.1366-11C>T on transcript NM_001844.5 (MANE Select); 11 bases into the intron before coding-DNA position 1366, C replaced by T.
Molecular consequence: intron variant.
Genome position (GRCh38, 1-based): chr12:47,986,899, G>A on the plus strand (C>T on the coding strand, the complement: COL2A1 is on the minus strand). VCF-style: chr12-47986899-G-A. GRCh37 (hg19) VCF-style: chr12-48380682-G-A.
Other names: c.1159-11C>T (NM_033150.3).
Identifiers: ClinVar variation 258210 (VCV000258210.23), dbSNP rs10875714, ClinGen allele CA6535494.